The following is an entry in ClinVar:

NM_018718.3(CEP41):c.277G>C (p.Asp93His)

Gene: CEP41 (centrosomal protein 41; minus strand). Cytogenetic location: 7q32.2.
Variant type: single nucleotide variant.
Coding change: c.277G>C on transcript NM_018718.3 (MANE Select); coding-DNA position 277, G replaced by C.
Protein change: p.Asp93His; replaces aspartic acid 93 with histidine.
Molecular consequence: missense variant. On other transcripts: non-coding transcript variant (1).
Genome position (GRCh38, 1-based): chr7:130,411,122, C>G on the plus strand (G>C on the coding strand, the complement: CEP41 is on the minus strand). VCF-style: chr7-130411122-C-G. GRCh37 (hg19) VCF-style: chr7-130050963-C-G.
Other names: c.277G>C, p.Asp93His (NM_001257158.2); c.229G>C, p.Asp77His (NM_001257159.2); short protein forms D77H, D93H.
Identifiers: ClinVar variation 1042900 (VCV001042900.8), dbSNP rs1797169504, ClinGen allele CA369289731.

ClinVar aggregate classification (germline): Uncertain significance (1 of 4 stars; one submission).

Conditions:
Joubert syndrome 15 (JBTS15). Identifiers: Orphanet 475, MedGen C3280897, MONDO:0013763, OMIM 614464.

Submission:

Labcorp Genetics (formerly Invitae), Labcorp
Classification: Uncertain significance for Joubert syndrome 15. Last evaluated: 2022-07-19. Review status: criteria provided, single submitter. Criteria: Invitae Variant Classification Sherloc (09022015). Collection method: clinical testing. Allele origin: germline.
Comment: This sequence change replaces aspartic acid, which is acidic and polar, with histidine, which is basic and polar, at codon 93 of the CEP41 protein (p.Asp93His). This variant also falls at the last nucleotide of exon 5, which is part of the consensus splice site for this exon. This variant is not present in population databases (gnomAD no frequency). This variant has not been reported in the literature in individuals affected with CEP41-related conditions. ClinVar contains an entry for this variant (Variation ID: 1042900). In summary, the available evidence is currently insufficient to determine the role of this variant in disease. Therefore, it has been classified as a Variant of Uncertain Significance. Variants that disrupt the consensus splice site are a relatively common cause of aberrant splicing (PMID: 17576681, 9536098). Algorithms developed to predict the effect of sequence changes on RNA splicing suggest that this variant may disrupt the consensus splice site. Algorithms developed to predict the effect of missense changes on protein structure and function are either unavailable or do not agree on the potential impact of this missense change (SIFT: "Deleterious"; PolyPhen-2: "Probably Damaging"; Align-GVGD: "Class C0").

Literature cited by the submitters: PubMed 17576681; PubMed 9536098.